The following is an entry in ClinVar:

ClinVar aggregate classification (germline): Uncertain significance (1 of 4 stars; one submission).

gnomAD v4.1: 1 of 1,550,308 alleles (0.000065%); highest among the groups gnomAD compares: Non-Finnish European, 0.000087%; no homozygotes.

Submission:

GeneDx
Classification: Uncertain significance. Last evaluated: 2023-11-29. Review status: criteria provided, single submitter. Criteria: GeneDx Variant Classification Process June 2021. Collection method: clinical testing. Allele origin: germline. Affected: yes.
Comment: Not observed at significant frequency in large population cohorts (gnomAD); In silico analysis supports that this missense variant does not alter protein structure/function; Has not been previously published as pathogenic or benign to our knowledge

NM_001367624.2(ZNF469):c.6773A>G (p.Lys2258Arg)

Gene: ZNF469 (zinc finger protein 469; plus strand). Cytogenetic location: 16q24.2.
Variant type: single nucleotide variant.
Coding change: c.6773A>G on transcript NM_001367624.2 (MANE Select); coding-DNA position 6773, A replaced by G.
Protein change: p.Lys2258Arg; replaces lysine 2258 with arginine.
Molecular consequence: missense variant.
Genome position (GRCh38, 1-based): chr16:88,434,243, A>G. VCF-style: chr16-88434243-A-G. GRCh37 (hg19) VCF-style: chr16-88500651-A-G.
Other names: NM_001127464.1:c.6689A>G; short protein forms K2258R.
Identifiers: ClinVar variation 3365052 (VCV003365052.1).